The following is an entry in ClinVar:

ClinVar aggregate classification (germline): Likely benign (1 of 4 stars; one submission).

Allele frequency attached by ClinVar (database versions not stated): 1000 Genomes Project 30x 0.00031; 1000 Genomes Project 0.00040; TOPMed 0.00057; gnomAD 0.00293.
gnomAD v4.1: 2,211 of 1,575,064 alleles (0.14%); highest among the groups gnomAD compares: Non-Finnish European, 0.11%; 5 homozygotes.

Submission:

GeneDx
Classification: Likely benign. Last evaluated: 2018-06-16. Review status: criteria provided, single submitter. Criteria: GeneDx Variant Classification (06012015). Collection method: clinical testing. Allele origin: germline. Affected: yes.
Comment: This variant is considered likely benign or benign based on one or more of the following criteria: it is a conservative change, it occurs at a poorly conserved position in the protein, it is predicted to be benign by multiple in silico algorithms, and/or has population frequency not consistent with disease.

NM_001148.6(ANK2):c.3894-55T>C

Gene: ANK2 (ankyrin 2; plus strand). Cytogenetic location: 4q26.
Variant type: single nucleotide variant.
Coding change: c.3894-55T>C on transcript NM_001148.6 (MANE Select); 55 bases into the intron before coding-DNA position 3894, T replaced by C.
Molecular consequence: intron variant.
Genome position (GRCh38, 1-based): chr4:113,341,633, T>C. VCF-style: chr4-113341633-T-C. GRCh37 (hg19) VCF-style: chr4-114262789-T-C.
Other names: c.3879-55T>C (NM_001386186.2, NM_001386148.2); c.3681-55T>C (NM_001354269.3); c.3759-55T>C (NM_001386187.2); c.3753-55T>C (NM_001386147.1, NM_001354261.2); c.3738-55T>C (NM_001386160.1); c.3843-55T>C (NM_001354254.2); c.3864-55T>C (NM_001354239.2, NM_001354252.2); c.3765-55T>C (NM_001354272.2); and 31 more.
Identifiers: ClinVar variation 676055 (VCV000676055.1), dbSNP rs184227041, ClinGen allele CA103804436.
Genomic context (GRCh38, chr4:113,341,633, plus strand): 5'-TTCCTTTTTTCCAAGAAGCATTTGTTGACTACTTTGATCATATTGAAGGAACTGATTTTA[T>C]TTTTCACATGGTATACTTTGAACTTTAGATAACTGACTTTATTTATTTTAATAGGTTCTG-3'